The following is an entry in ClinVar:

ClinVar aggregate classification (germline): Uncertain significance (1 of 4 stars; one submission).

Allele frequency attached by ClinVar (database versions not stated): gnomAD exomes below 0.00001.
gnomAD v4.1: 1 of 1,609,640 alleles (0.000062%); highest among the groups gnomAD compares: Non-Finnish European, 0.000085%; no homozygotes.

Submission:

GeneDx
Classification: Uncertain significance. Last evaluated: 2021-04-16. Review status: criteria provided, single submitter. Criteria: GeneDx Variant Classification Process June 2021. Collection method: clinical testing. Allele origin: germline. Affected: yes.
Comment: Has not been previously published as pathogenic or benign to our knowledge; In-silico analysis, which includes splice predictors and evolutionary conservation, is inconclusive as to whether the variant alters gene splicing. In the absence of RNA/functional studies, the actual effect of this sequence change is unknown.

NM_001042545.2(LTBP4):c.3768C>T (p.Cys1256=)

Gene: LTBP4 (latent transforming growth factor beta binding protein 4; plus strand). Cytogenetic location: 19q13.2.
Variant type: single nucleotide variant.
Coding change: c.3768C>T on transcript NM_001042545.2 (MANE Select); coding-DNA position 3768, C replaced by T.
Protein change: p.Cys1256=; no amino-acid change (cysteine 1256 retained).
Molecular consequence: synonymous variant.
Genome position (GRCh38, 1-based): chr19:40,624,018, C>T. VCF-style: chr19-40624018-C-T. GRCh37 (hg19) VCF-style: chr19-41129923-C-T.
Other names: c.3969C>T, p.Cys1323= (NM_001042544.1); c.3858C>T, p.Cys1286= (NM_003573.2).
Identifiers: ClinVar variation 1314791 (VCV001314791.2), dbSNP rs369442543, ClinGen allele CA9449121.
Genomic context (GRCh38, chr19:40,624,018, plus strand): 5'-GGAACCGGCCTGTGAGGGCGGCCGCTGTGTCAACACTGTGGGCTCTTATCACTGTACCTG[C>T]GAGCCCCCACTGGTGCTGGATGGCTCGCAGCGCCGCTGCGTCTCCAACGAGAGCCAGAGC-3'
Protein context (NP_001036010.1, residues 1246-1266): VNTVGSYHCT[Cys1256=]EPPLVLDGSQ